The following is an entry in ClinVar:

NM_000021.4(PSEN1):c.640C>A (p.His214Asn)

Gene: PSEN1 (presenilin 1; plus strand). Cytogenetic location: 14q24.2.
Variant type: single nucleotide variant.
Coding change: c.640C>A on transcript NM_000021.4 (MANE Select); coding-DNA position 640, C replaced by A.
Protein change: p.His214Asn; replaces histidine 214 with asparagine.
Molecular consequence: missense variant.
Genome position (GRCh38, 1-based): chr14:73,192,735, C>A. VCF-style: chr14-73192735-C-A. GRCh37 (hg19) VCF-style: chr14-73659443-C-A.
Other names: c.628C>A, p.His210Asn (NM_007318.3); c.640C>A (NM_000021.3); short protein forms H210N, H214N.
Identifiers: ClinVar variation 1374628 (VCV001374628.7), dbSNP rs63751003, ClinGen allele CA390299492.
Genomic context (GRCh38, chr14:73,192,735, plus strand): 5'-GACTACATTACTGTTGCACTCCTGATCTGGAATTTTGGTGTGGTGGGAATGATTTCCATT[C>A]ACTGGAAAGGTCCACTTCGACTCCAGCAGGCATATCTCATTATGATTAGTGCCCTCATGG-3'
Protein context (NP_000012.1, residues 204-224): NFGVVGMISI[His214Asn]WKGPLRLQQA

ClinVar aggregate classification (germline): Conflicting classifications of pathogenicity. Review status: criteria provided, conflicting classifications (1 of 4 stars). 2 submissions from 2 submitters: Pathogenic (1); Uncertain significance (1). Last evaluated 2023-06-13.

Conditions:
Alzheimer disease 3 (AD3). Also called: ALZHEIMER DISEASE, FAMILIAL, 3. Identifiers: Orphanet 1020, MedGen C1843013, MONDO:0011913, OMIM 607822.
Acne inversa, familial, 3 (ACNINV3). Identifiers: MedGen C3151038, MONDO:0013398, OMIM 613737.
Frontotemporal dementia (FTD1). Also called: MULTIPLE SYSTEM TAUOPATHY WITH PRESENILE DEMENTIA; WILHELMSEN-LYNCH DISEASE; FRONTOTEMPORAL DEMENTIA WITH PARKINSONISM; FRONTOTEMPORAL LOBE DEMENTIA; FRONTOTEMPORAL LOBAR DEGENERATION WITH TAU INCLUSIONS; FTLD WITH TAU INCLUSIONS. Identifiers: Orphanet 282, MedGen C0338451, MONDO:0017276, OMIM 600274, HP:0002145.
Pick disease. Also called: DEMENTIA WITH LOBAR ATROPHY AND NEURONAL CYTOPLASMIC INCLUSIONS; PICK DISEASE OF BRAIN; LOBAR ATROPHY OF BRAIN; Pick Disease of the Brain; Pick's disease. Identifiers: Orphanet 282, MedGen C0236642, MONDO:0008243, OMIM 172700.

Submissions (2):

GeneDx
Classification: Uncertain significance. Last evaluated: 2023-06-13. Review status: criteria provided, single submitter. Criteria: GeneDx Variant Classification Process June 2021. Collection method: clinical testing. Allele origin: germline. Affected: yes.
Comment: Not observed at significant frequency in large population cohorts (gnomAD); In silico analysis supports that this missense variant has a deleterious effect on protein structure/function; This variant is associated with the following publications: (PMID: 36142879, 29172000, Tang_2017, 27250031, 26925509)

Labcorp Genetics (formerly Invitae), Labcorp
Classification: Pathogenic for Alzheimer disease 3; Pick disease; Acne inversa, familial, 3; Frontotemporal dementia. Last evaluated: 2021-08-23. Review status: criteria provided, single submitter. Criteria: Invitae Variant Classification Sherloc (09022015). Collection method: clinical testing. Allele origin: germline.
Comment: This variant is not present in population databases (ExAC no frequency). This sequence change replaces histidine with asparagine at codon 214 of the PSEN1 protein (p.His214Asn). The histidine residue is highly conserved and there is a small physicochemical difference between histidine and asparagine. This missense change has been observed in individuals with clinical features of PSEN1-related conditions (PMID: 26925509; Invitae). Advanced modeling of protein sequence and biophysical properties (such as structural, functional, and spatial information, amino acid conservation, physicochemical variation, residue mobility, and thermodynamic stability) performed at Invitae indicates that this missense variant is expected to disrupt PSEN1 protein function. This variant disrupts the p.His214 amino acid residue in PSEN1. Other variant(s) that disrupt this residue have been observed in individuals with PSEN1-related conditions (PMID: 16033913, 31440394; Invitae), which suggests that this may be a clinically significant amino acid residue. For these reasons, this variant has been classified as Pathogenic.

Literature cited by the submitters: PubMed 26925509 (cited by Labcorp Genetics (formerly Invitae), Labcorp); PubMed 16033913 (cited by Labcorp Genetics (formerly Invitae), Labcorp); PubMed 31440394 (cited by Labcorp Genetics (formerly Invitae), Labcorp).